The following is an entry in ClinVar:

NM_005751.5(AKAP9):c.11618A>G (p.Asp3873Gly)

Gene: AKAP9 (A-kinase anchoring protein 9; plus strand). Cytogenetic location: 7q21.2.
Variant type: single nucleotide variant.
Coding change: c.11618A>G on transcript NM_005751.5 (MANE Select); coding-DNA position 11618, A replaced by G.
Protein change: p.Asp3873Gly; replaces aspartic acid 3873 with glycine.
Molecular consequence: missense variant.
Genome position (GRCh38, 1-based): chr7:92,108,565, A>G. VCF-style: chr7-92108565-A-G. GRCh37 (hg19) VCF-style: chr7-91737879-A-G.
Other names: c.6263A>G, p.Asp2088Gly (NM_001379277.1); c.11594A>G, p.Asp3865Gly (NM_147185.3); short protein forms D3865G, D2088G, D3873G.
Identifiers: ClinVar variation 1736742 (VCV001736742.2), dbSNP rs771486558, ClinGen allele CA4338240.

ClinVar aggregate classification (germline): Uncertain significance (1 of 4 stars; one submission).

Conditions:
Cardiovascular phenotype. Identifiers: MedGen CN230736.

Allele frequency attached by ClinVar (database versions not stated): ExAC 0.00001; gnomAD 0.00001; TOPMed 0.00002.
gnomAD v4.1: 1 of 1,614,066 alleles (0.000062%); highest among the groups gnomAD compares: African/African-American, 0.0013%; no homozygotes.

Submission:

Ambry Genetics
Classification: Uncertain significance for Cardiovascular phenotype. Last evaluated: 2022-01-31. Review status: criteria provided, single submitter. Criteria: Ambry Variant Classification Scheme 2023. Collection method: clinical testing. Allele origin: germline.
Comment: The p.D3873G variant (also known as c.11618A>G), located in coding exon 49 of the AKAP9 gene, results from an A to G substitution at nucleotide position 11618. The aspartic acid at codon 3873 is replaced by glycine, an amino acid with similar properties. This amino acid position is highly conserved in available vertebrate species. In addition, the in silico prediction for this alteration is inconclusive. Since supporting evidence is limited at this time, the clinical significance of this alteration remains unclear.